The following is an entry in ClinVar:

ClinVar aggregate classification (germline): Uncertain significance. Review status: criteria provided, multiple submitters, no conflicts (2 of 4 stars). 2 submissions from 2 submitters: Uncertain significance (2). Last evaluated 2025-12-01.

Allele frequency attached by ClinVar (database versions not stated): gnomAD 0.00001.
gnomAD v4.1: 1 of 1,611,560 alleles (0.000062%); highest among the groups gnomAD compares: African/African-American, 0.0013%; no homozygotes.

Submissions (2):

Labcorp Genetics (formerly Invitae), Labcorp
Classification: Uncertain significance. Last evaluated: 2025-12-01. Review status: criteria provided, single submitter. Criteria: Invitae Variant Classification Sherloc (09022015). Collection method: clinical testing. Allele origin: germline.
Comment: This sequence change replaces serine, which is neutral and polar, with phenylalanine, which is neutral and non-polar, at codon 567 of the NPAT protein (p.Ser567Phe). This variant is not present in population databases (gnomAD no frequency). This variant has not been reported in the literature in individuals affected with NPAT-related conditions. ClinVar contains an entry for this variant (Variation ID: 3222485). An algorithm developed to predict the effect of missense changes on protein structure and function (PolyPhen-2) suggests that this variant is likely to be disruptive. In summary, the available evidence is currently insufficient to determine the role of this variant in disease. Therefore, it has been classified as a Variant of Uncertain Significance.

Ambry Genetics
Classification: Uncertain significance. Last evaluated: 2024-03-09. Review status: criteria provided, single submitter. Criteria: Ambry Variant Classification Scheme 2023. Collection method: clinical testing. Allele origin: germline.
Comment: The p.S567F variant (also known as c.1700C>T), located in coding exon 13 of the NPAT gene, results from a C to T substitution at nucleotide position 1700. The serine at codon 567 is replaced by phenylalanine, an amino acid with highly dissimilar properties. This amino acid position is conserved. In addition, this alteration is predicted to be tolerated by in silico analysis. Based on the available evidence, the clinical significance of this alteration remains unclear.

NM_002519.3(NPAT):c.1700C>T (p.Ser567Phe)

Gene: NPAT (nuclear protein, coactivator of histone transcription; minus strand). Cytogenetic location: 11q22.3.
Variant type: single nucleotide variant.
Coding change: c.1700C>T on transcript NM_002519.3 (MANE Select); coding-DNA position 1700, C replaced by T.
Protein change: p.Ser567Phe; replaces serine 567 with phenylalanine.
Molecular consequence: missense variant.
Genome position (GRCh38, 1-based): chr11:108,173,284, G>A on the plus strand (C>T on the coding strand, the complement: NPAT is on the minus strand). VCF-style: chr11-108173284-G-A. GRCh37 (hg19) VCF-style: chr11-108044011-G-A.
Other names: c.1700C>T, p.Ser567Phe (NM_001321307.1); short protein forms S567F.
Identifiers: ClinVar variation 3222485 (VCV003222485.2), dbSNP rs1016973812, ClinGen allele CA228384450.